The following is an entry in ClinVar:

NM_000565.4(IL6R):c.272C>T (p.Ser91Phe)

Gene: IL6R (interleukin 6 receptor; plus strand). Cytogenetic location: 1q21.3.
Variant type: single nucleotide variant.
Coding change: c.272C>T on transcript NM_000565.4 (MANE Select); coding-DNA position 272, C replaced by T.
Protein change: p.Ser91Phe; replaces serine 91 with phenylalanine.
Molecular consequence: missense variant. On other transcripts: intron variant (1).
Genome position (GRCh38, 1-based): chr1:154,429,382, C>T. VCF-style: chr1-154429382-C-T. GRCh37 (hg19) VCF-style: chr1-154401858-C-T.
Other names: c.272C>T, p.Ser91Phe (NM_001206866.2, NM_001382769.1, NM_001382770.1 and 4 more transcripts); c.126+146C>T (NM_001382774.1); short protein forms S91F.
Identifiers: ClinVar variation 1025282 (VCV001025282.6), dbSNP rs145766309, ClinGen allele CA1128953.
Genomic context (GRCh38, chr1:154,429,382, plus strand): 5'-CCAGCAGATGGGCTGGCATGGGAAGGAGGCTGCTGCTGAGGTCGGTGCAGCTCCACGACT[C>T]TGGAAACTATTCATGCTACCGGGCCGGCCGCCCAGCTGGGACTGTGCACTTGCTGGTGGA-3'
Protein context (NP_000556.1, residues 81-101): LLLRSVQLHD[Ser91Phe]GNYSCYRAGR

ClinVar aggregate classification (germline): Uncertain significance (1 of 4 stars; one submission).

Allele frequency attached by ClinVar (database versions not stated): gnomAD 0.00006 and 0.00008; gnomAD exomes 0.00007 and 0.00009; TOPMed 0.00009; ExAC 0.00010; ESP Exome Variant Server 0.00015.

Submission:

Labcorp Genetics (formerly Invitae), Labcorp
Classification: Uncertain significance. Last evaluated: 2024-01-03. Review status: criteria provided, single submitter. Criteria: Invitae Variant Classification Sherloc (09022015). Collection method: clinical testing. Allele origin: germline.
Comment: This sequence change replaces serine, which is neutral and polar, with phenylalanine, which is neutral and non-polar, at codon 91 of the IL6R protein (p.Ser91Phe). This variant is present in population databases (rs145766309, gnomAD 0.02%). This variant has not been reported in the literature in individuals affected with IL6R-related conditions. ClinVar contains an entry for this variant (Variation ID: 1025282). An algorithm developed to predict the effect of missense changes on protein structure and function (PolyPhen-2) suggests that this variant is likely to be disruptive. In summary, the available evidence is currently insufficient to determine the role of this variant in disease. Therefore, it has been classified as a Variant of Uncertain Significance.